The following is an entry in ClinVar:

NM_005912.3(MC4R):c.895C>G (p.Pro299Ala)

Gene: MC4R (melanocortin 4 receptor; minus strand). Cytogenetic location: 18q21.32.
Variant type: single nucleotide variant.
Coding change: c.895C>G on transcript NM_005912.3 (MANE Select); coding-DNA position 895, C replaced by G.
Protein change: p.Pro299Ala; replaces proline 299 with alanine.
Molecular consequence: missense variant.
Genome position (GRCh38, 1-based): chr18:60,371,455, G>C on the plus strand (C>G on the coding strand, the complement: MC4R is on the minus strand). VCF-style: chr18-60371455-G-C. GRCh37 (hg19) VCF-style: chr18-58038688-G-C.
Other names: short protein forms P299A.
Identifiers: ClinVar variation 5000935 (VCV005000935.1).

ClinVar aggregate classification (germline): Uncertain significance (1 of 4 stars; one submission).

Conditions:
MC4R-related disorder. Also called: MC4R-related condition.

Submission:

PreventionGenetics, part of Exact Sciences
Classification: Uncertain significance for MC4R-related condition. Last evaluated: 2025-02-21. Review status: criteria provided, single submitter. Criteria: ACMG Guidelines, 2015. Collection method: clinical testing. Allele origin: germline.
Comment: The MC4R c.895C>G variant is predicted to result in the amino acid substitution p.Pro299Ala. To our knowledge, this variant has not been reported in the literature or in a large population database (gnomAD), indicating this variant is rare. A different variant affecting the same amino acid position, c.896C>A, p.(Pro299His), has been reported in individuals with obesity (for example, Stutzmann et al. 2008. PubMed ID: 18559663; Lubrano-Berthelier et al. 2003. PubMed ID: 12499395) and functional studies of this p.(Pro299His) variant revealed that it impacts protein function (Lubrano-Berthelier et al. 2003. PubMed ID: 12499395; Roubert et al. 2010. PubMed ID: 20696697). Although we suspect that this c.895C>G, p.(Pro299Ala) variant may be pathogenic, at this time, the clinical significance of this variant is uncertain due to the absence of conclusive functional and genetic evidence.